The following is an entry in ClinVar:

NM_001204.7(BMPR2):c.820G>C (p.Glu274Gln)

Gene: BMPR2 (bone morphogenetic protein receptor type 2; plus strand). Cytogenetic location: 2q33.2.
Variant type: single nucleotide variant.
Coding change: c.820G>C on transcript NM_001204.7 (MANE Select); coding-DNA position 820, G replaced by C.
Protein change: p.Glu274Gln; replaces glutamic acid 274 with glutamine.
Molecular consequence: missense variant.
Genome position (GRCh38, 1-based): chr2:202,519,020, G>C. VCF-style: chr2-202519020-G-C. GRCh37 (hg19) VCF-style: chr2-203383743-G-C.
Other names: short protein forms E274Q.
Identifiers: ClinVar variation 4975776 (VCV004975776.1).

ClinVar aggregate classification (germline): Uncertain significance (1 of 4 stars; one submission).

Submission:

GeneDx
Classification: Uncertain significance. Last evaluated: 2026-02-03. Review status: criteria provided, single submitter. Criteria: GeneDx Variant Classification Process June 2021. Collection method: clinical testing. Allele origin: germline.
Comment: Not observed at significant frequency in large population cohorts (gnomAD); In silico analysis supports that this missense variant has a deleterious effect on protein structure/function; Has not been previously published as pathogenic or benign to our knowledge